The following is an entry in ClinVar:

NC_012920.1(MT-ND5):m.12437A>G

Gene: MT-ND5 (mitochondrially encoded NADH dehydrogenase 5; plus strand).
Variant type: single nucleotide variant.
Genome position: chrM-12437-A-G.
Identifiers: ClinVar variation 693443 (VCV000693443.1), dbSNP rs1603223739, ClinGen allele CA414813153.
Genomic context (GRCh38, chrMT:12,437, plus strand): 5'-CCCTAATTCCCCCCATCCTTACCACCCTCGTTAACCCTAACAAAAAAAACTCATACCCCC[A>G]TTATGTAAAATCCATTGTCGCATCCACCTTTATTATCAGTCTCTTCCCCACAACAATATT-3'

ClinVar aggregate classification (germline): Likely benign (1 of 4 stars; one submission).

Conditions:
Leigh syndrome (NULS). Also called: Leigh's necrotizing encephalopathy; Leigh's disease; Leigh Syndrome (mtDNA deletion); Leigh Disease; Subacute necrotizing encephalopathy; Necrotizing encephalopathy infantile subacute of Leigh. Identifiers: Orphanet 506, MedGen C2931891, MONDO:0009723, OMIM 256000.

Submission:

Wong Mito Lab, Molecular and Human Genetics, Baylor College of Medicine
Classification: Likely benign for Leigh syndrome. Last evaluated: 2019-10-17. Review status: criteria provided, single submitter. Criteria: Modified ACMG Guidelines (Unpublished). Collection method: clinical testing. Allele origin: germline.
Comment: The NC_012920.1:m.12437A>G (YP_003024036.1:p.His34Arg) variant in MTND5 gene is interpretated to be a Likely Benign variant based on the modified ACMG guidelines (unpublished). This variant meets the following evidence codes: BS4, BP4